The following is an entry in ClinVar:

NM_006031.6(PCNT):c.3607+6T>C

Gene: PCNT (pericentrin; plus strand). Cytogenetic location: 21q22.3.
Variant type: single nucleotide variant.
Coding change: c.3607+6T>C on transcript NM_006031.6 (MANE Select); 6 bases into the intron after coding-DNA position 3607, T replaced by C.
Molecular consequence: intron variant.
Genome position (GRCh38, 1-based): chr21:46,388,890, T>C. VCF-style: chr21-46388890-T-C. GRCh37 (hg19) VCF-style: chr21-47808805-T-C.
Other names: c.3253+6T>C (NM_001315529.2).
Identifiers: ClinVar variation 4998381 (VCV004998381.1).

ClinVar aggregate classification (germline): Likely benign (1 of 4 stars; one submission).

Conditions:
PCNT-related disorder. Also called: PCNT-related condition.

gnomAD v4.1: 3 of 1,594,706 alleles (0.00019%); highest among the groups gnomAD compares: Admixed American, 0.0017%; no homozygotes.

Submission:

PreventionGenetics, part of Exact Sciences
Classification: Likely benign for PCNT-related condition. Last evaluated: 2025-10-28. Review status: criteria provided, single submitter. Criteria: ACMG Guidelines, 2015. Collection method: clinical testing. Allele origin: germline.
Comment: This variant is classified as likely benign based on ACMG/AMP sequence variant interpretation guidelines (Richards et al. 2015 PMID: 25741868, with internal and published modifications).